The following is an entry in ClinVar:

ClinVar aggregate classification (germline): Uncertain significance (1 of 4 stars; one submission).

Allele frequency attached by ClinVar (database versions not stated): gnomAD 0.00001; TOPMed 0.00002; ExAC 0.00005.
gnomAD v4.1: 34 of 1,614,006 alleles (0.0021%); highest among the groups gnomAD compares: South Asian, 0.026%; no homozygotes.

Submission:

Labcorp Genetics (formerly Invitae), Labcorp
Classification: Uncertain significance. Last evaluated: 2022-03-01. Review status: criteria provided, single submitter. Criteria: Invitae Variant Classification Sherloc (09022015). Collection method: clinical testing. Allele origin: germline.
Comment: In summary, the available evidence is currently insufficient to determine the role of this variant in disease. Therefore, it has been classified as a Variant of Uncertain Significance. Algorithms developed to predict the effect of missense changes on protein structure and function are either unavailable or do not agree on the potential impact of this missense change (SIFT: "Deleterious"; PolyPhen-2: "Probably Damaging"; Align-GVGD: "Class C0"). This variant has not been reported in the literature in individuals affected with KMT2A-related conditions. This variant is present in population databases (rs781787241, gnomAD 0.03%). This sequence change replaces glutamic acid, which is acidic and polar, with lysine, which is basic and polar, at codon 1690 of the KMT2A protein (p.Glu1690Lys).

NM_001197104.2(KMT2A):c.5068G>A (p.Glu1690Lys)

Gene: KMT2A (lysine methyltransferase 2A; plus strand). Cytogenetic location: 11q23.3.
Variant type: single nucleotide variant.
Coding change: c.5068G>A on transcript NM_001197104.2 (MANE Select); coding-DNA position 5068, G replaced by A.
Protein change: p.Glu1690Lys; replaces glutamic acid 1690 with lysine.
Molecular consequence: missense variant.
Genome position (GRCh38, 1-based): chr11:118,493,120, G>A. VCF-style: chr11-118493120-G-A. GRCh37 (hg19) VCF-style: chr11-118363835-G-A.
Other names: c.5158G>A, p.Glu1720Lys (NM_001412597.1); c.5059G>A, p.Glu1687Lys (NM_005933.4); short protein forms E1687K, E1720K, E1690K.
Identifiers: ClinVar variation 2065321 (VCV002065321.4), dbSNP rs781787241, ClinGen allele CA6304005.